The following is an entry in ClinVar:

NM_001813.3(CENPE):c.6437A>G (p.Tyr2146Cys)

Gene: CENPE (centromere protein E; minus strand). Cytogenetic location: 4q24.
Variant type: single nucleotide variant.
Coding change: c.6437A>G on transcript NM_001813.3 (MANE Select); coding-DNA position 6437, A replaced by G.
Protein change: p.Tyr2146Cys; replaces tyrosine 2146 with cysteine.
Molecular consequence: missense variant.
Genome position (GRCh38, 1-based): chr4:103,136,226, T>C on the plus strand (A>G on the coding strand, the complement: CENPE is on the minus strand). VCF-style: chr4-103136226-T-C. GRCh37 (hg19) VCF-style: chr4-104057383-T-C.
Other names: c.6074A>G, p.Tyr2025Cys (NM_001286734.2); short protein forms Y2025C, Y2146C.
Identifiers: ClinVar variation 1202270 (VCV001202270.30), dbSNP rs141813170, ClinGen allele CA3029364.

ClinVar aggregate classification (germline): Conflicting classifications of pathogenicity. Review status: criteria provided, conflicting classifications (1 of 4 stars). 3 submissions from 3 submitters: Uncertain significance (1); Likely benign (2). Last evaluated 2024-11-04.

Allele frequency attached by ClinVar (database versions not stated): ExAC 0.00053; gnomAD exomes 0.00062 and 0.00132; gnomAD 0.00068 and 0.00070; TOPMed 0.00086; ESP Exome Variant Server 0.00100.
gnomAD v4.1: 2,000 of 1,613,720 alleles (0.12%); highest among the groups gnomAD compares: Non-Finnish European, 0.16%; 4 homozygotes.

Submissions (3):

Blueprint Genetics
Classification: Likely benign. Last evaluated: 2024-11-04. Review status: criteria provided, single submitter. Criteria: ACMG Guidelines, 2015. Collection method: clinical testing. Allele origin: germline.

CeGaT Center for Human Genetics Tuebingen
Classification: Likely benign. Last evaluated: 2022-05-01. Review status: criteria provided, single submitter. Criteria: CeGaT Center For Human Genetics Tuebingen Variant Classification Criteria Version 2. Collection method: clinical testing. Allele origin: germline. Affected: yes. Observed: 1 variant allele.
Comment: CENPE: BP4, BS2

GeneDx
Classification: Uncertain significance. Last evaluated: 2021-12-06. Review status: criteria provided, single submitter. Criteria: GeneDx Variant Classification Process June 2021. Collection method: clinical testing. Allele origin: germline. Affected: yes.
Comment: In silico analysis supports that this missense variant does not alter protein structure/function; Has not been previously published as pathogenic or benign to our knowledge; This variant is associated with the following publications: (PMID: 22974711)